The following is an entry in ClinVar:

NM_144668.6(CFAP251):c.1097A>T (p.Asp366Val)

Gene: CFAP251 (cilia and flagella associated protein 251; plus strand). Cytogenetic location: 12q24.31.
Variant type: single nucleotide variant.
Coding change: c.1097A>T on transcript NM_144668.6 (MANE Select); coding-DNA position 1097, A replaced by T.
Protein change: p.Asp366Val; replaces aspartic acid 366 with valine.
Molecular consequence: missense variant.
Genome position (GRCh38, 1-based): chr12:121,942,632, A>T. VCF-style: chr12-121942632-A-T. GRCh37 (hg19) VCF-style: chr12-122380538-A-T.
Other names: c.1097A>T, p.Asp366Val (NM_001178003.2); short protein forms D366V.
Identifiers: ClinVar variation 1050332 (VCV001050332.1), dbSNP rs2135764189, ClinGen allele CA387007342.
Genomic context (GRCh38, chr12:121,942,632, plus strand): 5'-GGAATGGCATCATGGCCATGGCCATGACCCACGACGCCAAGTATCTGGCAACCATCTCAG[A>T]TGCTGAAGTCCAGGTAAAGGCCCTGGCCCTTTGGGTCAGCATCAGCGAGCTGGCCGACCT-3'
Protein context (NP_653269.3, residues 356-376): HDAKYLATIS[Asp366Val]AEVQKVCIWK

ClinVar aggregate classification (germline): Uncertain significance (0 of 4 stars; one submission).

Submission:

Department of Pathology and Laboratory Medicine, Sinai Health System
Classification: Uncertain significance. Review status: no assertion criteria provided. Collection method: clinical testing. Allele origin: unknown. Affected: yes. Study: The Canadian Open Genetics Repository (COGR).
Comment: The WDR66 p.Asp366Val variant was not identified in the literature nor was it identified in dbSNP, ClinVar, LOVD 3.0 or in the following control databases: the 1000 Genomes Project, the NHLBI GO Exome Sequencing Project, or the Genome Aggregation Database (March 6, 2019, v2.1.1). The p.Asp366 residue is not conserved in mammals and computational analyses (PolyPhen-2, SIFT, AlignGVGD, BLOSUM, MutationTaster) provide inconsistent predictions regarding the impact to the protein; this information is not very predictive of pathogenicity. The variant occurs outside of the splicing consensus sequence and in silico or computational prediction software programs (SpliceSiteFinder, MaxEntScan, NNSPLICE, GeneSplicer) do not predict a difference in splicing. In summary, based on the above information the clinical significance of this variant cannot be determined with certainty at this time. This variant is classified as a variant of uncertain significance.